The following is an entry in ClinVar:

NM_012431.3(SEMA3E):c.1992G>A (p.Thr664=)

Gene: SEMA3E (semaphorin 3E; minus strand). Cytogenetic location: 7q21.11.
Variant type: single nucleotide variant.
Coding change: c.1992G>A on transcript NM_012431.3 (MANE Select); coding-DNA position 1992, G replaced by A.
Protein change: p.Thr664=; no amino-acid change (threonine 664 retained).
Molecular consequence: synonymous variant.
Genome position (GRCh38, 1-based): chr7:83,367,922, C>T on the plus strand (G>A on the coding strand, the complement: SEMA3E is on the minus strand). VCF-style: chr7-83367922-C-T. GRCh37 (hg19) VCF-style: chr7-82997238-C-T.
Other names: c.1812G>A, p.Thr604= (NM_001178129.2); c.1992G>A (NM_012431.2).
Identifiers: ClinVar variation 1442240 (VCV001442240.9), dbSNP rs753319647, ClinGen allele CA4321846.

ClinVar aggregate classification (germline): Likely benign. Review status: criteria provided, multiple submitters, no conflicts (2 of 4 stars). 2 submissions from 2 submitters: Likely benign (2). Last evaluated 2025-07-09.

Conditions:
CHARGE syndrome (CHARGE). Also called: Coloboma, heart anomaly, choanal atresia, retardation, genital and ear anomalies; CHARGE association; Hall-Hittner syndrome; Hittner Hirsch Kreh syndrome; CHARGE ASSOCIATION--COLOBOMA, HEART ANOMALY, CHOANAL ATRESIA, RETARDATION, GENITAL AND EAR ANOMALIES. Identifiers: Orphanet 138, MedGen C0265354, MONDO:0008965.
SEMA3E-related disorder. Also called: SEMA3E-related condition.

Allele frequency attached by ClinVar (database versions not stated): gnomAD 0.00001; gnomAD exomes 0.00001; ExAC 0.00002.
gnomAD v4.1: 16 of 1,611,322 alleles (0.00099%); highest among the groups gnomAD compares: South Asian, 0.0033%; no homozygotes.

Submissions (2):

Labcorp Genetics (formerly Invitae), Labcorp
Classification: Likely benign for CHARGE syndrome. Last evaluated: 2025-07-09. Review status: criteria provided, single submitter. Criteria: Invitae Variant Classification Sherloc (09022015). Collection method: clinical testing. Allele origin: germline.

PreventionGenetics, part of Exact Sciences
Classification: Likely benign for SEMA3E-related condition. Last evaluated: 2025-04-24. Review status: criteria provided, single submitter. Criteria: ACMG Guidelines, 2015. Collection method: clinical testing. Allele origin: germline.
Comment: This variant is classified as likely benign based on ACMG/AMP sequence variant interpretation guidelines (Richards et al. 2015 PMID: 25741868, with internal and published modifications).